The following is an entry in ClinVar:

ClinVar aggregate classification (germline): Likely benign. Review status: criteria provided, multiple submitters, no conflicts (2 of 4 stars). 2 submissions from 2 submitters: Likely benign (2). Last evaluated 2025-02-06.

Conditions:
POLD1-related polyposis and colorectal cancer syndrome (CRCS10). Also called: Colorectal cancer 10; COLORECTAL CANCER, SUSCEPTIBILITY TO, ON CHROMOSOME 19q; Colorectal cancer, susceptibility to, 10. Identifiers: Orphanet 220460, MedGen C2675481, MONDO:0012953, OMIM 612591.

Submissions (2):

Myriad Genetics, Inc.
Classification: Likely benign for POLD1-related polyposis and colorectal cancer syndrome. Last evaluated: 2025-02-06. Review status: criteria provided, single submitter. Criteria: Myriad Autosomal Dominant, Autosomal Recessive and X-Linked Classification Criteria (2023). Collection method: clinical testing. Allele origin: unknown.
Comment: This variant is considered likely benign. This variant is intronic and is not expected to impact mRNA splicing.

Labcorp Genetics (formerly Invitae), Labcorp
Classification: Likely benign for POLD1-related polyposis and colorectal cancer syndrome. Last evaluated: 2024-02-02. Review status: criteria provided, single submitter. Criteria: Invitae Variant Classification Sherloc (09022015). Collection method: clinical testing. Allele origin: germline.

NM_002691.4(POLD1):c.1384-10A>T

Gene: POLD1 (DNA polymerase delta 1, catalytic subunit; plus strand). Cytogenetic location: 19q13.33.
Variant type: single nucleotide variant.
Coding change: c.1384-10A>T on transcript NM_002691.4 (MANE Select); 10 bases into the intron before coding-DNA position 1384, A replaced by T.
Molecular consequence: intron variant.
Genome position (GRCh38, 1-based): chr19:50,406,397, A>T. VCF-style: chr19-50406397-A-T. GRCh37 (hg19) VCF-style: chr19-50909654-A-T.
Other names: c.1384-10A>T (NM_001256849.1, NM_001308632.1).
Identifiers: ClinVar variation 3638277 (VCV003638277.3).